The following is an entry in ClinVar:

ClinVar aggregate classification (germline): Uncertain significance (1 of 4 stars; one submission).

Allele frequency attached by ClinVar (database versions not stated): gnomAD exomes below 0.00001.
gnomAD v4.1: 3 of 1,613,278 alleles (0.00019%); highest among the groups gnomAD compares: South Asian, 0.0011%; no homozygotes.

Submission:

Labcorp Genetics (formerly Invitae), Labcorp
Classification: Uncertain significance. Last evaluated: 2025-01-06. Review status: criteria provided, single submitter. Criteria: Invitae Variant Classification Sherloc (09022015). Collection method: clinical testing. Allele origin: germline.
Comment: This sequence change replaces glutamic acid, which is acidic and polar, with aspartic acid, which is acidic and polar, at codon 750 of the OPA1 protein (p.Glu750Asp). This variant is present in population databases (no rsID available, gnomAD 0.003%). This variant has not been reported in the literature in individuals affected with OPA1-related conditions. ClinVar contains an entry for this variant (Variation ID: 2981808). Invitae Evidence Modeling of protein sequence and biophysical properties (such as structural, functional, and spatial information, amino acid conservation, physicochemical variation, residue mobility, and thermodynamic stability) indicates that this missense variant is not expected to disrupt OPA1 protein function with a negative predictive value of 80%. In summary, the available evidence is currently insufficient to determine the role of this variant in disease. Therefore, it has been classified as a Variant of Uncertain Significance.

NM_130837.3(OPA1):c.2415G>T (p.Glu805Asp)

Gene: OPA1 (OPA1 mitochondrial dynamin like GTPase; plus strand). Cytogenetic location: 3q29.
Variant type: single nucleotide variant.
Coding change: c.2415G>T on transcript NM_130837.3 (MANE Select); coding-DNA position 2415, G replaced by T.
Protein change: p.Glu805Asp; replaces glutamic acid 805 with aspartic acid.
Molecular consequence: missense variant.
Genome position (GRCh38, 1-based): chr3:193,658,970, G>T. VCF-style: chr3-193658970-G-T. GRCh37 (hg19) VCF-style: chr3-193376759-G-T.
Other names: c.1881G>T, p.Glu627Asp (NM_001354663.2); c.1878G>T, p.Glu626Asp (NM_001354664.2); c.2250G>T, p.Glu750Asp (NM_015560.3); c.2142G>T, p.Glu714Asp (NM_130831.3); c.2196G>T, p.Glu732Asp (NM_130832.3); c.2253G>T, p.Glu751Asp (NM_130833.3); c.2304G>T, p.Glu768Asp (NM_130834.3); c.2307G>T, p.Glu769Asp (NM_130835.3); and 1 more; short protein forms E750D, E787D, E626D, E732D, E768D, E769D, E627D, E714D.
Identifiers: ClinVar variation 2981808 (VCV002981808.3), dbSNP rs1274466249, ClinGen allele CA355792002.
Genomic context (GRCh38, chr3:193,658,970, plus strand): 5'-GGAAGACCGATCCATATCTGATAAACAGCAATGGGATGCAGCTATTTATTTTATGGAAGA[G>T]GCTCTGCAGGCTCGTCTCAAGGATAGTAAGTGGAGACACGGCTTATTGAGTTCTGAGTTC-3'
Protein context (NP_570850.2, residues 795-815): QWDAAIYFME[Glu805Asp]ALQARLKDTE